The following is an entry in ClinVar:

ClinVar aggregate classification (germline): Uncertain significance (1 of 4 stars; one submission).

Conditions:
Generalized epilepsy with febrile seizures plus, type 7 (GEFSP7). Also called: GEFS+, TYPE 7. Identifiers: Orphanet 36387, MedGen C2751778, MONDO:0013470, OMIM 613863.
Neuropathy, hereditary sensory and autonomic, type 2A (HSAN2A). Also called: MORVAN DISEASE; NEUROPATHY, CONGENITAL SENSORY; NEUROPATHY, HEREDITARY SENSORY RADICULAR, AUTOSOMAL RECESSIVE; NEUROPATHY, HEREDITARY SENSORY, TYPE IIA; NEUROPATHY, PROGRESSIVE SENSORY, OF CHILDREN; ACROOSTEOLYSIS, GIACCAI TYPE. Identifiers: Orphanet 970, MedGen C2752089, MONDO:0024309, OMIM 201300.

Submission:

Labcorp Genetics (formerly Invitae), Labcorp
Classification: Uncertain significance for Neuropathy, hereditary sensory and autonomic, type 2A; Generalized epilepsy with febrile seizures plus, type 7. Last evaluated: 2019-10-25. Review status: criteria provided, single submitter. Criteria: Invitae Variant Classification Sherloc (09022015). Collection method: clinical testing. Allele origin: germline.
Comment: This variant is not present in population databases (ExAC no frequency). This variant has not been reported in the literature in individuals with SCN9A-related conditions. Experimental studies and prediction algorithms are not available or were not evaluated, and the functional significance of this variant is currently unknown. In summary, the available evidence is currently insufficient to determine the role of this variant in disease. Therefore, it has been classified as a Variant of Uncertain Significance. This variant, c.5535_5536delinsTT, is a complex sequence change that results in the deletion of 2 and insertion of 2 amino acid(s) in the SCN9A protein (p.Met1845_Asp1846delinsIleTyr).

NM_001365536.1(SCN9A):c.5568_5569delinsTT (p.Met1856_Asp1857delinsIleTyr)

Genes: SCN9A (sodium voltage-gated channel alpha subunit 9; minus strand), SCN1A-AS1 (SCN1A and SCN9A antisense RNA 1; plus strand). Cytogenetic location: 2q24.3.
Variant type: Indel.
Coding change: c.5568_5569delinsTT on transcript NM_001365536.1 (MANE Select); coding-DNA positions 5568 to 5569, GG replaced by TT.
Protein change: p.Met1856_Asp1857delinsIleTyr.
Molecular consequence: missense variant.
Genome position (GRCh38, 1-based): chr2:166,199,070-166,199,071, CC replaced by AA on the plus strand (GG replaced by TT on the coding strand, the reverse complement: SCN9A is on the minus strand). VCF-style: chr2-166199070-CC-AA. GRCh37 (hg19) VCF-style: chr2-167055580-CC-AA.
Other names: c.5535_5536delGGinsTT, p.Met1845_Asp1846delinsIleTyr (NM_002977.4).
Identifiers: ClinVar variation 968581 (VCV000968581.10), dbSNP rs1693346843, ClinGen allele CA1139657330.